The following is an entry in ClinVar:

ClinVar aggregate classification (germline): Likely pathogenic. Review status: reviewed by expert panel (3 of 4 stars). 4 submissions from 4 submitters: Likely pathogenic (1). 3 of the submissions do not count toward it. Last evaluated 2026-04-28.

Conditions:
Autosomal recessive limb-girdle muscular dystrophy. Identifiers: Orphanet 102015, MedGen C2931907, MONDO:0015152.
Autosomal recessive limb-girdle muscular dystrophy type 2A (LGMDR1). Also called: Calpainopathy; LEYDEN-MOEBIUS MUSCULAR DYSTROPHY; MUSCULAR DYSTROPHY, PELVOFEMORAL; Limb-girdle muscular dystrophy, type 2A; Muscular dystrophy, limb-girdle, type 2A, Amish. Identifiers: Orphanet 267, MedGen C1869123, MONDO:0009675, OMIM 253600. Disease mechanism: loss of function.

Submissions (4):

ClinGen Limb Girdle Muscular Dystrophy Variant Curation Expert Panel, ClinGen
Classification: Likely pathogenic for Autosomal recessive limb-girdle muscular dystrophy. Last evaluated: 2026-04-28. Review status: reviewed by expert panel. Criteria: ClinGen LGMD VCEP ACMG Specifications CAPN3 V2.0.0. Collection method: curation. Allele origin: germline. Inheritance: Autosomal recessive inheritance.
Comment: The NM_000070.3: c.1336G>A variant in CAPN3 is a missense variant predicted to cause the substitution of glycine by serine at amino acid position 446, p.(Gly446Ser). This variant has been identified in at least four patients with clinical signs of LGMD, including in a homozygous state (0.5 pts, PMID: 22443334) and confirmed in trans with a likely pathogenic or pathogenic variant (c.883_886delinsCTT p.(Asp295_Asn296delinsLeufsTer57), 1.0 pt, PMID: 30919934, LOVD Individual #00214368) (PM3). In the two other patients, a second presumed diagnostic CAPN3 variant was not identified (PMID: 18337726; GRASP-LGMD Consortium internal data communication). The patient homozygous for this variant displayed progressive limb girdle muscle weakness and significantly reduced calpain-3 protein expression, which is specific for CAPN3-related LGMD (PMID: 22443334; PP4_Moderate). This variant is absent from gnomAD v4.1.0 (PM2_Supporting). The computational predictor REVEL gives a score of 0.99, which is above the LGMD VCEP threshold of ≥0.70, evidence that correlates with impact to CAPN3 function (PP3). In summary, this variant meets the criteria to be classified as Likely Pathogenic for autosomal recessive limb girdle muscular dystrophy based on the ACMG/AMP criteria applied, as specified by the ClinGen LGMD VCEP (specifications v2.0.0; 04/28/2026): PM3, PP4_Moderate, PM2_Supporting, PP3.

Women's Health and Genetics/Laboratory Corporation of America, LabCorp
Classification: Uncertain significance. Last evaluated: 2026-01-08. Review status: criteria provided, single submitter. Criteria: LabCorp Variant Classification Summary - May 2015. Collection method: clinical testing. Allele origin: germline. Not counted in ClinVar's aggregate classification.
Comment: Variant summary: CAPN3 c.1336G>A (p.Gly446Ser) results in a non-conservative amino acid change located in the Peptidase C2, calpain, large subunit, domain III (IPR022682) of the encoded protein sequence. Algorithms developed to predict the effect of missense changes on protein structure and function all suggest that this variant is likely to be disruptive. The variant was absent in 238580 control chromosomes. c.1336G>A has been observed in the literature in homozygous and compound heterozygous individuals affected with Limb-Girdle Muscular Dystrophy, Autosomal Recessive (Hauerslev_2012, TenDam_2019). These data indicate that the variant may be associated with disease. To our knowledge, no experimental evidence demonstrating an impact on protein function has been reported. The following publications have been ascertained in the context of this evaluation (PMID: 18337726, 22443334, 30919934). ClinVar contains an entry for this variant (Variation ID: 284385). Based on the evidence outlined above, the variant was classified as VUS-possibly pathogenic.

Labcorp Genetics (formerly Invitae), Labcorp
Classification: Uncertain significance for Autosomal recessive limb-girdle muscular dystrophy type 2A. Last evaluated: 2022-09-13. Review status: criteria provided, single submitter. Criteria: Invitae Variant Classification Sherloc (09022015). Collection method: clinical testing. Allele origin: germline. Not counted in ClinVar's aggregate classification.
Comment: Advanced modeling of protein sequence and biophysical properties (such as structural, functional, and spatial information, amino acid conservation, physicochemical variation, residue mobility, and thermodynamic stability) performed at Invitae indicates that this missense variant is expected to disrupt CAPN3 protein function. ClinVar contains an entry for this variant (Variation ID: 284385). This missense change has been observed in individuals with autosomal recessive limb-girdle muscular dystrophy (PMID: 22443334, 30919934). This variant is not present in population databases (gnomAD no frequency). This sequence change replaces glycine, which is neutral and non-polar, with serine, which is neutral and polar, at codon 446 of the CAPN3 protein (p.Gly446Ser). Algorithms developed to predict the effect of sequence changes on RNA splicing suggest that this variant may create or strengthen a splice site. In summary, the available evidence is currently insufficient to determine the role of this variant in disease. Therefore, it has been classified as a Variant of Uncertain Significance.

Eurofins Ntd Llc (ga)
Classification: Uncertain significance. Last evaluated: 2015-11-03. Review status: criteria provided, single submitter. Criteria: EGL Classification Definitions 2015. Collection method: clinical testing. Allele origin: germline. Observed: 1 variant allele, 1 heterozygote. Not counted in ClinVar's aggregate classification.

Literature cited by the submitters: PubMed 18337726 (cited by Women's Health and Genetics/Laboratory Corporation of America, LabCorp); PubMed 22443334 (cited by Women's Health and Genetics/Laboratory Corporation of America, LabCorp and Labcorp Genetics (formerly Invitae), Labcorp); PubMed 30919934 (cited by Women's Health and Genetics/Laboratory Corporation of America, LabCorp and Labcorp Genetics (formerly Invitae), Labcorp).

NM_000070.3(CAPN3):c.1336G>A (p.Gly446Ser)

Gene: CAPN3 (calpain 3; plus strand). Cytogenetic location: 15q15.1.
Variant type: single nucleotide variant.
Coding change: c.1336G>A on transcript NM_000070.3 (MANE Select); coding-DNA position 1336, G replaced by A.
Protein change: p.Gly446Ser; replaces glycine 446 with serine.
Molecular consequence: missense variant.
Genome position (GRCh38, 1-based): chr15:42,399,634, G>A. VCF-style: chr15-42399634-G-A. GRCh37 (hg19) VCF-style: chr15-42691832-G-A.
Other names: NM_000070.3(CAPN3):c.1336G>A; p.Gly446Ser; c.1336G>A, p.Gly446Ser (NM_024344.2); c.1192G>A, p.Gly398Ser (NM_173087.2); short protein forms G446S, G398S.
Identifiers: ClinVar variation 284385 (VCV000284385.17), dbSNP rs886042857, ClinGen allele CA10604779.